The following is an entry in ClinVar:

NM_020297.4(ABCC9):c.2556G>C (p.Gln852His)

Gene: ABCC9 (ATP binding cassette subfamily C member 9; minus strand). Cytogenetic location: 12p12.1.
Variant type: single nucleotide variant.
Coding change: c.2556G>C on transcript NM_020297.4 (MANE Select); coding-DNA position 2556, G replaced by C.
Protein change: p.Gln852His; replaces glutamine 852 with histidine.
Molecular consequence: missense variant.
Genome position (GRCh38, 1-based): chr12:21,852,455, C>G on the plus strand (G>C on the coding strand, the complement: ABCC9 is on the minus strand). VCF-style: chr12-21852455-C-G. GRCh37 (hg19) VCF-style: chr12-22005389-C-G.
Other names: c.2556G>C, p.Gln852His (NM_001377273.1, NM_005691.4); c.1689G>C, p.Gln563His (NM_001377274.1); short protein forms Q563H, Q852H.
Identifiers: ClinVar variation 1793017 (VCV001793017.2), dbSNP rs2541137534, ClinGen allele CA384125643.

ClinVar aggregate classification (germline): Uncertain significance (1 of 4 stars; one submission).

Conditions:
Cardiovascular phenotype. Identifiers: MedGen CN230736.

Submission:

Ambry Genetics
Classification: Uncertain significance for Cardiovascular phenotype. Last evaluated: 2022-06-15. Review status: criteria provided, single submitter. Criteria: Ambry Variant Classification Scheme 2023. Collection method: clinical testing. Allele origin: germline.
Comment: The p.Q852H variant (also known as c.2556G>C), located in coding exon 21 of the ABCC9 gene, results from a G to C substitution at nucleotide position 2556. The glutamine at codon 852 is replaced by histidine, an amino acid with highly similar properties. This amino acid position is highly conserved in available vertebrate species. In addition, the in silico prediction for this alteration is inconclusive. Since supporting evidence is limited at this time, the clinical significance of this alteration remains unclear.